The following is an entry in ClinVar:

ClinVar aggregate classification (germline): Uncertain significance (1 of 4 stars; one submission).

Conditions:
Deficiency of butyryl-CoA dehydrogenase (ACADSD). Also called: ACADS DEFICIENCY; ACYL-CoA DEHYDROGENASE, SHORT-CHAIN, DEFICIENCY OF; Short-Chain Acyl-CoA Dehydrogenase Deficiency; SCADH DEFICIENCY; SCAD DEFICIENCY, MILD; SCAD Deficiency. Identifiers: Orphanet 26792, MedGen C0342783, MONDO:0008722, OMIM 201470. Disease mechanism: May be benign.

Allele frequency attached by ClinVar (database versions not stated): gnomAD exomes below 0.00001 and 0.00001; TOPMed 0.00002.
gnomAD v4.1: 9 of 1,613,022 alleles (0.00056%); highest among the groups gnomAD compares: Non-Finnish European, 0.00068%; no homozygotes.

Submission:

Labcorp Genetics (formerly Invitae), Labcorp
Classification: Uncertain significance for Deficiency of butyryl-CoA dehydrogenase. Last evaluated: 2024-11-27. Review status: criteria provided, single submitter. Criteria: Invitae Variant Classification Sherloc (09022015). Collection method: clinical testing. Allele origin: germline.
Comment: This sequence change replaces alanine, which is neutral and non-polar, with valine, which is neutral and non-polar, at codon 356 of the ACADS protein (p.Ala356Val). The frequency data for this variant in the population databases is considered unreliable, as metrics indicate poor data quality at this position in the gnomAD database. This missense change has been observed in individual(s) with short chain acyl-CoA dehydrogenase deficiency (PMID: 22424739; internal data). In at least one individual the data is consistent with being in trans (on the opposite chromosome) from a pathogenic variant. ClinVar contains an entry for this variant (Variation ID: 1521659). Invitae Evidence Modeling of protein sequence and biophysical properties (such as structural, functional, and spatial information, amino acid conservation, physicochemical variation, residue mobility, and thermodynamic stability) indicates that this missense variant is expected to disrupt ACADS protein function with a positive predictive value of 95%. In summary, the available evidence is currently insufficient to determine the role of this variant in disease. Therefore, it has been classified as a Variant of Uncertain Significance.

Literature cited by the submitters: PubMed 22424739.

NM_000017.4(ACADS):c.1067C>T (p.Ala356Val)

Gene: ACADS (acyl-CoA dehydrogenase short chain; plus strand). Cytogenetic location: 12q24.31.
Variant type: single nucleotide variant.
Coding change: c.1067C>T on transcript NM_000017.4 (MANE Select); coding-DNA position 1067, C replaced by T.
Protein change: p.Ala356Val; replaces alanine 356 with valine.
Molecular consequence: missense variant.
Genome position (GRCh38, 1-based): chr12:120,739,177, C>T. VCF-style: chr12-120739177-C-T. GRCh37 (hg19) VCF-style: chr12-121176980-C-T.
Other names: c.1055C>T, p.Ala352Val (NM_001302554.2); short protein forms A356V, A352V.
Identifiers: ClinVar variation 1521659 (VCV001521659.6), dbSNP rs1378527596, ClinGen allele CA386601702.
Genomic context (GRCh38, chr12:120,739,177, plus strand): 5'-TCTGACTGTACCCCCATGTTTAGGAGGCAGCCATGGCCAAGCTGGCCGCCTCGGAGGCCG[C>T]GACCGCCATCAGCCACCAGGTGAGTGTCCACAGTGAGCTCTGAGGGGGCCAGCTGCCCCT-3'
Protein context (NP_000008.1, residues 346-366): AMAKLAASEA[Ala356Val]TAISHQAIQI